The following is an entry in ClinVar:

NM_000297.4(PKD2):c.1883C>G (p.Thr628Ser)

Gene: PKD2 (polycystin 2, transient receptor potential cation channel; plus strand). Cytogenetic location: 4q22.1.
Variant type: single nucleotide variant.
Coding change: c.1883C>G on transcript NM_000297.4 (MANE Select); coding-DNA position 1883, C replaced by G.
Protein change: p.Thr628Ser; replaces threonine 628 with serine.
Molecular consequence: missense variant. On other transcripts: non-coding transcript variant (1).
Genome position (GRCh38, 1-based): chr4:88,056,252, C>G. VCF-style: chr4-88056252-C-G. GRCh37 (hg19) VCF-style: chr4-88977404-C-G.
Other names: c.1658C>G, p.Thr553Ser (NM_001440544.1); short protein forms T553S, T628S.
Identifiers: ClinVar variation 4741047 (VCV004741047.1).
Genomic context (GRCh38, chr4:88,056,252, plus strand): 5'-TCCTAGCGTATGCTCAGTTGGCATACCTTGTCTTTGGCACTCAGGTCGATGACTTCAGTA[C>G]TTTCCAAGAGTGTATGTAAGTATATATGAAATTAAGAAGAAAAATTTAATCAGAGTTGTC-3'
Protein context (NP_000288.1, residues 618-638): VFGTQVDDFS[Thr628Ser]FQECIFTQFR

ClinVar aggregate classification (germline): Uncertain significance (1 of 4 stars; one submission).

Conditions:
Autosomal dominant polycystic kidney disease. Identifiers: Orphanet 730, MedGen C0085413, MONDO:0004691.

Submission:

Labcorp Genetics (formerly Invitae), Labcorp
Classification: Uncertain significance for Autosomal dominant polycystic kidney disease. Last evaluated: 2025-08-24. Review status: criteria provided, single submitter. Criteria: Invitae Variant Classification Sherloc (09022015). Collection method: clinical testing. Allele origin: germline.
Comment: This sequence change replaces threonine, which is neutral and polar, with serine, which is neutral and polar, at codon 628 of the PKD2 protein (p.Thr628Ser). This variant is not present in population databases (gnomAD no frequency). This variant has not been reported in the literature in individuals affected with PKD2-related conditions. Invitae Evidence Modeling of protein sequence and biophysical properties (such as structural, functional, and spatial information, amino acid conservation, physicochemical variation, residue mobility, and thermodynamic stability) indicates that this missense variant is not expected to disrupt PKD2 protein function with a negative predictive value of 80%. In summary, the available evidence is currently insufficient to determine the role of this variant in disease. Therefore, it has been classified as a Variant of Uncertain Significance.